The following is an entry in ClinVar:

ClinVar aggregate classification (germline): Uncertain significance (1 of 4 stars; one submission).

Submission:

Women's Health and Genetics/Laboratory Corporation of America, LabCorp
Classification: Uncertain significance. Last evaluated: 2024-06-06. Review status: criteria provided, single submitter. Criteria: LabCorp Variant Classification Summary - May 2015. Collection method: clinical testing. Allele origin: germline.
Comment: Variant summary: DCPS c.739_747+22del31 is located in an intron/exon junction region and is predicted to destroy the canonical splice-site in intron 5, thus may affect mRNA splicing resulting in a significantly altered protein due to either exon skipping, shortening, or inclusion of intronic material; several amino acids in exon 5 may also be disrupted. However, no evidence, such as pathogenic variant(s) within the last exon, pathogenic variant(s) at same donor splice-site, has been identifed to support the pathogeneicity of this varaint. Several computational tools predict a significant impact on normal splicing: Four predict the variant abolishes the canonical 5' splicing donor site. However, these predictions have yet to be confirmed by functional studies. The variant allele was found at a frequency of 4e-06 in 249306 control chromosomes. To our knowledge, no occurrence of c.739_747+22del31 in individuals affected with Al-Raqad Syndrome and no experimental evidence demonstrating its impact on protein function have been reported. No submitters have cited clinical-significance assessments for this variant to ClinVar. Based on the evidence outlined above, the variant was classified as uncertain significance.

NM_014026.6(DCPS):c.739_747+22del

Genes: DCPS (decapping enzyme, scavenger; plus strand), GSEC (G-quadruplex forming sequence containing lncRNA; minus strand). Cytogenetic location: 11q24.2.
Variant type: Deletion.
Coding change: c.739_747+22del on transcript NM_014026.6 (MANE Select); coding-DNA position 739 through 22 bases into the intron after coding-DNA position 747, 31 bases deleted.
Molecular consequence: splice donor variant.
Genome position (GRCh38, 1-based): chr11:126,343,409-126,343,439, 31 bases deleted; deleting any 31 consecutive bases within chr11:126,343,405-126,343,439 gives the same sequence; the c. name uses the placement nearest the transcript's 3' end. GRCh37 (hg19): chr11:126,213,304-126,213,334.
Other names: c.760_768+22del (NM_001350236.2); c.739_747+22del31 (NM_014026.6).
Identifiers: ClinVar variation 3339725 (VCV003339725.1).
Genomic context (GRCh38, chr11:126,343,404, plus strand): 5'-GGGGCATCAGATCCCTACGCGACCTTACTCCGGAGCACTTGCCGCTGCTCAGGAACATCC[TCCACCAGGGGCAGGTGAGTGGCTTCACCAAA>T]CCACGTGGAAGCTCAGAGAAATTAGACTCAGATTCCAGTGTGTTCCTGGGCCCCTTTCCT-3'